The following is an entry in ClinVar:

ClinVar aggregate classification (germline): Likely pathogenic (3 of 4 stars; one submission).

Conditions:
Pulmonary arterial hypertension. Identifiers: Orphanet 182090, MedGen C2973725, MeSH D000081029, MONDO:0015924, HP:0002092.

Submission:

Clingen Pulmonary Hypertension Variant Curation Expert Panel, ClinGen
Classification: Likely pathogenic for Pulmonary arterial hypertension. Last evaluated: 2026-04-10. Review status: reviewed by expert panel. Criteria: ClinGen PH ACMG Specifications BMPR2 V2.0.0. Collection method: curation. Allele origin: germline. Inheritance: Autosomal dominant inheritance.
Comment: BMPR2 c.1259G>T is a missense variant predicted to cause substitution of cysteine to phenylalanine at amino acid position 420 (p.Cys420Phe). The variant is absent from gnomAD v2.1.1 and v4.1 (PM2_supporting). A REVEL score of 0.914 meets PP3_supporting (>0.75). The variant resides in the conserved catalytic kinase domain but does not affect a known critical residue (PM1_moderate). The variant has been reported in two unrelated PAH probands, one heritable (PMID: 27453251) and one idiopathic (PMID: 30578397, 32634488) (PS4_supporting). A different missense variant at the same amino acid residue, p.Cys420Arg (PMID: 11115378, 21801371) was classified by the PH VCEP as pathogenic (PM5_moderate). In summary, this variant meets the criteria to be classified as a likely pathogenic variant for pulmonary arterial hypertension based on the ACMG/AMP criteria applied, as specified by the ClinGen Pulmonary Hypertension VCEP: PM1_moderate, PM5_moderate, PS4_supporting, PM2_supporting, PP3_supporting (VCEP specification version 2.0, 1/30/2026).

NM_001204.7(BMPR2):c.1259G>T (p.Cys420Phe)

Gene: BMPR2 (bone morphogenetic protein receptor type 2; plus strand). Cytogenetic location: 2q33.2.
Variant type: single nucleotide variant.
Coding change: c.1259G>T on transcript NM_001204.7 (MANE Select); coding-DNA position 1259, G replaced by T.
Protein change: p.Cys420Phe; replaces cysteine 420 with phenylalanine.
Molecular consequence: missense variant.
Genome position (GRCh38, 1-based): chr2:202,532,715, G>T. VCF-style: chr2-202532715-G-T. GRCh37 (hg19) VCF-style: chr2-203397438-G-T.
Other names: NM_001204.7:c.1259G>T; short protein forms C420F.
Identifiers: ClinVar variation 3899317 (VCV003899317.2).
Genomic context (GRCh38, chr2:202,532,715, plus strand): 5'-CTTTGAAACAAGTAGACATGTATGCTCTTGGACTAATCTATTGGGAGATATTTATGAGAT[G>T]TACAGACCTCTTCCCAGGTAAAAACTACTGTCAAAAGTTGATATTTTTTGAAGTGAAGCA-3'
Protein context (NP_001195.2, residues 410-430): GLIYWEIFMR[Cys420Phe]TDLFPGESVP